The following is an entry in ClinVar:

ClinVar aggregate classification (germline): Uncertain significance (1 of 4 stars; one submission).

Submission:

Labcorp Genetics (formerly Invitae), Labcorp
Classification: Uncertain significance. Last evaluated: 2023-08-04. Review status: criteria provided, single submitter. Criteria: Invitae Variant Classification Sherloc (09022015). Collection method: clinical testing. Allele origin: germline.
Comment: In summary, the available evidence is currently insufficient to determine the role of this variant in disease. Therefore, it has been classified as a Variant of Uncertain Significance. Advanced modeling of protein sequence and biophysical properties (such as structural, functional, and spatial information, amino acid conservation, physicochemical variation, residue mobility, and thermodynamic stability) performed at Invitae indicates that this missense variant is not expected to disrupt ADGRV1 protein function. ClinVar contains an entry for this variant (Variation ID: 2128874). This variant has not been reported in the literature in individuals affected with ADGRV1-related conditions. This variant is not present in population databases (gnomAD no frequency). This sequence change replaces glycine, which is neutral and non-polar, with arginine, which is basic and polar, at codon 4979 of the ADGRV1 protein (p.Gly4979Arg).

NM_032119.4(ADGRV1):c.14935G>A (p.Gly4979Arg)

Gene: ADGRV1 (adhesion G protein-coupled receptor V1; plus strand). Cytogenetic location: 5q14.3.
Variant type: single nucleotide variant.
Coding change: c.14935G>A on transcript NM_032119.4 (MANE Select); coding-DNA position 14935, G replaced by A.
Protein change: p.Gly4979Arg; replaces glycine 4979 with arginine.
Molecular consequence: missense variant. On other transcripts: non-coding transcript variant (1).
Genome position (GRCh38, 1-based): chr5:90,807,700, G>A. VCF-style: chr5-90807700-G-A. GRCh37 (hg19) VCF-style: chr5-90103517-G-A.
Other names: short protein forms G4979R.
Identifiers: ClinVar variation 2128874 (VCV002128874.4), dbSNP rs2532159202, ClinGen allele CA360406665.